The following is an entry in ClinVar:

ClinVar aggregate classification (germline): Uncertain significance. Review status: criteria provided, multiple submitters, no conflicts (2 of 4 stars). 2 submissions from 2 submitters: Uncertain significance (2). Last evaluated 2024-05-07.

Conditions:
Leber congenital amaurosis 9 (LCA9). Also called: LCA9 Leber Congenital Amaurosis; LCA 9; Amaurosis congenita of Leber, type 9. Identifiers: Orphanet 65, MedGen C1837873, MONDO:0012056, OMIM 608553.

Allele frequency attached by ClinVar (database versions not stated): ExAC 0.00001; gnomAD exomes 0.00001.
gnomAD v4.1: 11 of 1,613,204 alleles (0.00068%); highest among the groups gnomAD compares: Non-Finnish European, 0.00093%; no homozygotes.

Submissions (2):

Labcorp Genetics (formerly Invitae), Labcorp
Classification: Uncertain significance for Leber congenital amaurosis 9. Last evaluated: 2024-05-07. Review status: criteria provided, single submitter. Criteria: Invitae Variant Classification Sherloc (09022015). Collection method: clinical testing. Allele origin: germline.
Comment: This sequence change replaces isoleucine, which is neutral and non-polar, with asparagine, which is neutral and polar, at codon 20 of the NMNAT1 protein (p.Ile20Asn). This variant is present in population databases (rs761948762, gnomAD 0.0009%). This missense change has been observed in individual(s) with Leber congenital amaurosis (PMID: 22842227). In at least one individual the data is consistent with being in trans (on the opposite chromosome) from a pathogenic variant. ClinVar contains an entry for this variant (Variation ID: 2202697). Advanced modeling of protein sequence and biophysical properties (such as structural, functional, and spatial information, amino acid conservation, physicochemical variation, residue mobility, and thermodynamic stability) performed at Invitae indicates that this missense variant is expected to disrupt NMNAT1 protein function with a positive predictive value of 80%. In summary, the available evidence is currently insufficient to determine the role of this variant in disease. Therefore, it has been classified as a Variant of Uncertain Significance.

Blueprint Genetics
Classification: Uncertain significance. Last evaluated: 2021-09-08. Review status: criteria provided, single submitter. Criteria: ACMG Guidelines, 2015. Collection method: clinical testing. Allele origin: germline.

Literature cited by the submitters: PubMed 22842227 (cited by Labcorp Genetics (formerly Invitae), Labcorp).

NM_022787.4(NMNAT1):c.59T>A (p.Ile20Asn)

Gene: NMNAT1 (nicotinamide nucleotide adenylyltransferase 1; plus strand). Cytogenetic location: 1p36.22.
Variant type: single nucleotide variant.
Coding change: c.59T>A on transcript NM_022787.4 (MANE Select); coding-DNA position 59, T replaced by A.
Protein change: p.Ile20Asn; replaces isoleucine 20 with asparagine.
Molecular consequence: missense variant.
Genome position (GRCh38, 1-based): chr1:9,972,132, T>A. VCF-style: chr1-9972132-T-A. GRCh37 (hg19) VCF-style: chr1-10032190-T-A.
Other names: c.59T>A, p.Ile20Asn (NM_001297778.1, NM_001297779.2); short protein forms I20N.
Identifiers: ClinVar variation 2202697 (VCV002202697.4), dbSNP rs761948762, ClinGen allele CA579125.